The following is an entry in ClinVar:

ClinVar aggregate classification (germline): Likely pathogenic (1 of 4 stars; one submission).

Conditions:
Autosomal dominant nocturnal frontal lobe epilepsy 1. Also called: EPILEPSY, NOCTURNAL FRONTAL LOBE, TYPE 1; CHRNA4-Related Nocturnal Frontal Lobe Epilepsy, Autosomal Dominant. Identifiers: Orphanet 98784, MedGen C1838049, MONDO:0010899, OMIM 600513.

Submission:

Diagnostics Services (NGS), CSIR - Centre For Cellular And Molecular Biology
Classification: Likely pathogenic for Autosomal dominant nocturnal frontal lobe epilepsy 1. Last evaluated: 2022-06-22. Review status: criteria provided, single submitter. Criteria: ACMG Guidelines, 2015. Collection method: clinical testing. Allele origin: unknown. Affected: yes. Observed: 1 variant allele, 1 heterozygote.
Comment: The c.1113_1114insTATG variant is not present in publicly available population databases like 1000 Genomes, Exome Variant Server (EVS), Genome Aggregation Database (gnomAD) and Indian Exome Database. The variant is not present in our in-house exome database. The variant was not reported to ClinVar, Human Genome Mutation Database (HGMD) and/or OMIM databases in any affected individuals. In-silico pathogenicity prediction programs like MutationTaster2, CADD etc. predicted this variant to be likely deleterious. The variant causes frameshift at the 372th amino acid position of the wild-type transcript which creates a translational premature stop signal at the 378th amino acid position of the altered transcript that either may causes nonsense mediated decay of the mRNA or results in translating a truncated protein.

NM_000744.7(CHRNA4):c.1113_1114insTATG (p.Ile372fs)

Gene: CHRNA4 (cholinergic receptor nicotinic alpha 4 subunit; minus strand). Cytogenetic location: 20q13.33.
Variant type: Insertion.
Coding change: c.1113_1114insTATG on transcript NM_000744.7 (MANE Select); coding-DNA positions 1113 to 1114, TATG inserted.
Protein change: p.Ile372fs; shifts the reading frame from isoleucine 372.
Molecular consequence: frameshift variant. On other transcripts: non-coding transcript variant (1).
Genome position: GRCh38 VCF-style: chr20-63350297-T-TCATA. GRCh37 (hg19) VCF-style: chr20-61981649-T-TCATA.
Other names: c.585_586insTATG, p.Ile196fs (NM_001256573.2); short protein forms I196fs, I372fs.
Identifiers: ClinVar variation 1802235 (VCV001802235.3), dbSNP rs2516540108, ClinGen allele CA2580098425.